The following is an entry in ClinVar:

ClinVar aggregate classification (germline): Uncertain significance (1 of 4 stars; one submission).

Conditions:
Familial cancer of breast. Also called: hereditary breast carcinoma; Hereditary breast cancer; BREAST CANCER, FAMILIAL. Identifiers: Orphanet 227535, MedGen C0346153, MONDO:0016419, OMIM 114480. Disease mechanism: loss of function.

Submission:

Labcorp Genetics (formerly Invitae), Labcorp
Classification: Uncertain significance for Familial cancer of breast. Last evaluated: 2024-06-03. Review status: criteria provided, single submitter. Criteria: Invitae Variant Classification Sherloc (09022015). Collection method: clinical testing. Allele origin: germline.
Comment: This sequence change replaces lysine, which is basic and polar, with arginine, which is basic and polar, at codon 96 of the BARD1 protein (p.Lys96Arg). This variant is not present in population databases (gnomAD no frequency). This variant has not been reported in the literature in individuals affected with BARD1-related conditions. ClinVar contains an entry for this variant (Variation ID: 954288). Algorithms developed to predict the effect of missense changes on protein structure and function output the following: SIFT: "Not Available"; PolyPhen-2: "Benign"; Align-GVGD: "Not Available". The arginine amino acid residue is found in multiple mammalian species, which suggests that this missense change does not adversely affect protein function. Experimental studies are conflicting or provide insufficient evidence to determine the effect of this variant on BARD1 function (PMID: 29180619, 34789768). In summary, the available evidence is currently insufficient to determine the role of this variant in disease. Therefore, it has been classified as a Variant of Uncertain Significance.

Literature cited by the submitters: PubMed 29180619; PubMed 34789768.

NM_000465.4(BARD1):c.287A>G (p.Lys96Arg)

Gene: BARD1 (BRCA1 associated RING domain 1; minus strand). Cytogenetic location: 2q35.
Variant type: single nucleotide variant.
Coding change: c.287A>G on transcript NM_000465.4 (MANE Select); coding-DNA position 287, A replaced by G.
Protein change: p.Lys96Arg; replaces lysine 96 with arginine.
Molecular consequence: missense variant. On other transcripts: non-coding transcript variant (1), intron variant (2).
Genome position (GRCh38, 1-based): chr2:214,792,374, T>C on the plus strand (A>G on the coding strand, the complement: BARD1 is on the minus strand). VCF-style: chr2-214792374-T-C. GRCh37 (hg19) VCF-style: chr2-215657098-T-C.
Other names: c.230A>G, p.Lys77Arg (NM_001282543.2); c.287A>G, p.Lys96Arg (NM_001282549.2); c.158+17038A>G (NM_001282548.2); c.215+4687A>G (NM_001282545.2); short protein forms K96R, K77R.
Identifiers: ClinVar variation 954288 (VCV000954288.10), dbSNP rs1695561580, ClinGen allele CA350461051.